The following is an entry in ClinVar:

ClinVar aggregate classification (germline): Likely benign. Review status: criteria provided, multiple submitters, no conflicts (2 of 4 stars). 2 submissions from 2 submitters: Likely benign (2). Last evaluated 2025-03-21.

Conditions:
EDNRB-related disorder. Also called: EDNRB-related disorders; EDNRB-related condition.

Allele frequency attached by ClinVar (database versions not stated): gnomAD exomes below 0.00001; TOPMed below 0.00001; ExAC 0.00001.
gnomAD v4.1: 4 of 1,609,588 alleles (0.00025%); highest among the groups gnomAD compares: Admixed American, 0.005%; no homozygotes.

Submissions (2):

PreventionGenetics, part of Exact Sciences
Classification: Likely benign for EDNRB-related condition. Last evaluated: 2025-03-21. Review status: criteria provided, single submitter. Criteria: ACMG Guidelines, 2015. Collection method: clinical testing. Allele origin: germline.
Comment: This variant is classified as likely benign based on ACMG/AMP sequence variant interpretation guidelines (Richards et al. 2015 PMID: 25741868, with internal and published modifications).

Labcorp Genetics (formerly Invitae), Labcorp
Classification: Likely benign. Last evaluated: 2022-12-05. Review status: criteria provided, single submitter. Criteria: Invitae Variant Classification Sherloc (09022015). Collection method: clinical testing. Allele origin: germline.

NM_001122659.3(EDNRB):c.802-8C>A

Genes: EDNRB (endothelin receptor type B; minus strand), EDNRB-AS1 (EDNRB antisense RNA 1; plus strand). Cytogenetic location: 13q22.3.
Variant type: single nucleotide variant.
Coding change: c.802-8C>A on transcript NM_001122659.3 (MANE Select); 8 bases into the intron before coding-DNA position 802, C replaced by A.
Molecular consequence: intron variant.
Genome position (GRCh38, 1-based): chr13:77,901,215, G>T on the plus strand (C>A on the coding strand, the complement: EDNRB is on the minus strand). VCF-style: chr13-77901215-G-T. GRCh37 (hg19) VCF-style: chr13-78475350-G-T.
Other names: c.802-8C>A (NM_000115.4, NM_000115.5, NM_003991.4); c.1072-8C>A (NM_001201397.2).
Identifiers: ClinVar variation 2720321 (VCV002720321.4), dbSNP rs765690914, ClinGen allele CA7012242.
Genomic context (GRCh38, chr13:77,901,215, plus strand): 5'-GGCAAGCAGAAATAGAAACTGAATAGCCACCAATCTTTTGCTGTCTTGTAAAACTATAGG[G>T]ATGAGAGAATTTTTACGATTAATACTCCTCTGTAAGAAAATCTTATATAACAAATGTTAA-3'